The following is an entry in ClinVar:

NM_001370466.1(NOD2):c.781del (p.Leu261fs)

Gene: NOD2 (nucleotide binding oligomerization domain containing 2; plus strand). Cytogenetic location: 16q12.1.
Variant type: Deletion.
Coding change: c.781del on transcript NM_001370466.1 (MANE Select); coding-DNA position 781, one base deleted (C; older notation c.781delC).
Protein change: p.Leu261fs; shifts the reading frame from leucine 261.
Molecular consequence: frameshift variant. On other transcripts: non-coding transcript variant (1).
Genome position (GRCh38, 1-based): chr16:50,710,773, C deleted; the last of 2 consecutive C bases (chr16:50,710,772-50,710,773); deleting either gives the same sequence. VCF-style (leftmost placement, unchanged base first): chr16-50710771-AC-A. GRCh37 (hg19) VCF-style: chr16-50744682-AC-A.
Other names: c.781del, p.Leu261fs (NM_001293557.2); c.862del, p.Leu288fs (NM_022162.3); short protein forms L288fs, L261fs.
Identifiers: ClinVar variation 947507 (VCV000947507.8), dbSNP rs1964431434, ClinGen allele CA1139664678.

ClinVar aggregate classification (germline): Uncertain significance (1 of 4 stars; one submission).

Conditions:
Regional enteritis. Also called: Enteritis, Granulomatous. Identifiers: MedGen C0678202, MeSH D003424.
Blau syndrome (BLAUS). Also called: GRANULOMATOSIS, FAMILIAL JUVENILE SYSTEMIC; GRANULOMATOSIS, FAMILIAL, BLAU TYPE; GRANULOMATOUS INFLAMMATORY ARTHRITIS, DERMATITIS, AND UVEITIS, FAMILIAL; JABS SYNDROME; ARTHROCUTANEOUVEAL GRANULOMATOSIS. Identifiers: Orphanet 90340, MedGen C5201146, MONDO:0008523, OMIM 186580.

Submission:

Labcorp Genetics (formerly Invitae), Labcorp
Classification: Uncertain significance for Regional enteritis; Blau syndrome. Last evaluated: 2026-01-31. Review status: criteria provided, single submitter. Criteria: Invitae Variant Classification Sherloc (09022015). Collection method: clinical testing. Allele origin: germline.
Comment: This sequence change creates a premature translational stop signal (p.Leu288Serfs*89) in the NOD2 gene. It is expected to result in an absent or disrupted protein product. However, the current clinical and genetic evidence is not sufficient to establish whether loss-of-function variants in NOD2 cause disease. This variant is not present in population databases (gnomAD no frequency). This variant has not been reported in the literature in individuals affected with NOD2-related conditions. ClinVar contains an entry for this variant (Variation ID: 947507). In summary, the available evidence is currently insufficient to determine the role of this variant in disease. Therefore, it has been classified as a Variant of Uncertain Significance.